The following is an entry in ClinVar:

NM_016507.4(CDK12):c.3318C>G (p.Asp1106Glu)

Gene: CDK12 (cyclin dependent kinase 12; plus strand). Cytogenetic location: 17q12.
Variant type: single nucleotide variant.
Coding change: c.3318C>G on transcript NM_016507.4 (MANE Select); coding-DNA position 3318, C replaced by G.
Protein change: p.Asp1106Glu; replaces aspartic acid 1106 with glutamic acid.
Molecular consequence: missense variant.
Genome position (GRCh38, 1-based): chr17:39,525,874, C>G. VCF-style: chr17-39525874-C-G. GRCh37 (hg19) VCF-style: chr17-37682127-C-G.
Other names: c.3318C>G, p.Asp1106Glu (NM_015083.4); short protein forms D1106E.
Identifiers: ClinVar variation 3830411 (VCV003830411.1).

ClinVar aggregate classification (germline): Uncertain significance (1 of 4 stars; one submission).

gnomAD v4.1: 13 of 1,613,274 alleles (0.00081%); highest among the groups gnomAD compares: Non-Finnish European, 0.0011%; no homozygotes.

Submission:

Ambry Genetics
Classification: Uncertain significance. Last evaluated: 2024-12-25. Review status: criteria provided, single submitter. Criteria: Ambry Variant Classification Scheme 2023. Collection method: clinical testing. Allele origin: germline.
Comment: The p.D1106E variant (also known as c.3318C>G), located in coding exon 13 of the CDK12 gene, results from a C to G substitution at nucleotide position 3318. The aspartic acid at codon 1106 is replaced by glutamic acid, an amino acid with highly similar properties. This amino acid position is conserved. In addition, this alteration is predicted to be tolerated by in silico analysis. Based on the available evidence, the clinical significance of this variant remains unclear.